The following is an entry in ClinVar:

ClinVar aggregate classification (germline): Likely pathogenic (1 of 4 stars; one submission).

Conditions:
Xanthinuria type II. Also called: Xanthine dehydrogenase and aldehyde oxidase combined deficiency of; XDH and AOX dual deficiency. Identifiers: Orphanet 3467, Orphanet 93602, MedGen C1863688, MONDO:0011346, OMIM 603592.

Submission:

First Genomix Gene Laboratory, Genetic Diagnostics Department
Classification: Likely pathogenic for Xanthinuria type II. Last evaluated: 2025-09-03. Review status: criteria provided, single submitter. Criteria: ACMG Guidelines, 2015. Collection method: clinical testing. Allele origin: germline. Inheritance: Autosomal recessive inheritance. Affected: no. Observed: 1 variant allele.

NM_017947.4(MOCOS):c.637del (p.Leu213fs)

Gene: MOCOS (molybdenum cofactor sulfurase; plus strand). Cytogenetic location: 18q12.2.
Variant type: Deletion.
Coding change: c.637del on transcript NM_017947.4 (MANE Select); coding-DNA position 637, one base deleted (C; older notation c.637delC).
Protein change: p.Leu213fs; shifts the reading frame from leucine 213.
Molecular consequence: frameshift variant.
Genome position (GRCh38, 1-based): chr18:36,200,020, C deleted; the last of 5 consecutive C bases (chr18:36,200,016-36,200,020); deleting any one gives the same sequence. VCF-style (leftmost placement, unchanged base first): chr18-36200015-AC-A. GRCh37 (hg19) VCF-style: chr18-33779978-AC-A.
Other names: c.637delC (NM_017947.4); short protein forms L213fs.
Identifiers: ClinVar variation 4850247 (VCV004850247.1).
Genomic context (GRCh38, chr18:36,200,015, plus strand): 5'-ACTGCCAGCTGCCGCATCTCTTCTGCTACCCAGCTCAGAGTAACTTTTCTGGAGTCAGAT[AC>A]CCCCTGTCCTGGATAGAAGAGGTCAAGTCTGGGCGGTTGCACCCTGTGAGCACGCCTGGG-3'